The following is an entry in ClinVar:

NM_015884.4(MBTPS2):c.1376A>G (p.Asn459Ser)

Gene: MBTPS2 (membrane bound transcription factor peptidase, site 2; plus strand). Cytogenetic location: Xp22.12.
Variant type: single nucleotide variant.
Coding change: c.1376A>G on transcript NM_015884.4 (MANE Select); coding-DNA position 1376, A replaced by G.
Protein change: p.Asn459Ser; replaces asparagine 459 with serine.
Molecular consequence: missense variant.
Genome position (GRCh38, 1-based): chrX:21,882,471, A>G. VCF-style: chrX-21882471-A-G. GRCh37 (hg19) VCF-style: chrX-21900589-A-G.
Other names: short protein forms N459S.
Identifiers: ClinVar variation 558767 (VCV000558767.2), dbSNP rs1555986267, ClinGen allele CA412570287.

ClinVar aggregate classification (germline): Pathogenic. Review status: criteria provided, single submitter (1 of 4 stars). 2 submissions from 2 submitters: Pathogenic (1). 1 of the submissions does not count toward it. Last evaluated 2025-11-17.

Conditions:
Osteogenesis imperfecta, type 19. Also called: OSTEOGENESIS IMPERFECTA, TYPE XIX. Identifiers: MedGen C4746956, MONDO:0049223, OMIM 301014.

Submissions (2):

3billion
Classification: Pathogenic for Osteogenesis imperfecta, type 19. Last evaluated: 2025-11-17. Review status: criteria provided, single submitter. Criteria: ACMG Guidelines, 2015. Collection method: clinical testing. Allele origin: germline. Affected: yes.
Comment: The variant is not observed in the gnomAD v4.1.0 dataset. Predicted Consequence/Location: Missense variant. Missense changes are a common disease-causing mechanism. Functional studies provide moderate evidence of the variant having a damaging effect on the gene or gene product (PMID: 27380894). In silico tool predictions suggest damaging effect of the variant on gene or gene product [REVEL: 0.91 (>=0.6, sensitivity 0.68 and specificity 0.92); 3Cnet: 0.96 (> 0.75, sensitivity 0.96 and precision 0.92)]. The same nucleotide change resulting in the same amino acid change has been previously reported to be associated with MBTPS2-related disorder (ClinVar ID: VCV000558767 /PMID: 27380894). The variant has been reported to co-segregate with the disease in at least 7 similarly affected relatives/individuals in at least two unrelated families (PMID: 27380894). Therefore, this variant is classified as Pathogenic according to the recommendation of ACMG/AMP guideline.

OMIM
Classification: Pathogenic for OSTEOGENESIS IMPERFECTA, TYPE XIX. Last evaluated: 2018-07-31. Review status: no assertion criteria provided. Collection method: literature only. Allele origin: germline. Not counted in ClinVar's aggregate classification.

Literature cited by the submitters: PubMed 27380894 (cited by 3billion and OMIM).